The following is an entry in ClinVar:

ClinVar aggregate classification (germline): Likely benign. Review status: criteria provided, single submitter (1 of 4 stars). 2 submissions from 2 submitters: Likely benign (1). 1 of the submissions does not count toward it. Last evaluated 2022-03-23.

Conditions:
Senior-Loken syndrome 7 (SLSN7). Identifiers: Orphanet 3156, MedGen C3150877, MONDO:0013326, OMIM 613615.
Bardet-Biedl syndrome 16 (BBS16). Identifiers: Orphanet 110, MedGen C3889474, MONDO:0014444, OMIM 615993.
SDCCAG8-related disorder. Also called: SDCCAG8-Related Disorders; SDCCAG8-related condition.

Allele frequency attached by ClinVar (database versions not stated): gnomAD 0.00001; ExAC 0.00002.
gnomAD v4.1: 8 of 1,612,346 alleles (0.0005%); highest among the groups gnomAD compares: Admixed American, 0.013%; no homozygotes.

Submissions (2):

Labcorp Genetics (formerly Invitae), Labcorp
Classification: Likely benign for Bardet-Biedl syndrome 16; Senior-Loken syndrome 7. Last evaluated: 2022-03-23. Review status: criteria provided, single submitter. Criteria: Invitae Variant Classification Sherloc (09022015). Collection method: clinical testing. Allele origin: germline.

PreventionGenetics, part of Exact Sciences
Classification: Likely benign for SDCCAG8-related condition. Last evaluated: 2024-01-15. Review status: no assertion criteria provided. Collection method: clinical testing. Allele origin: germline. Not counted in ClinVar's aggregate classification.
Comment: This variant is classified as likely benign based on ACMG/AMP sequence variant interpretation guidelines (Richards et al. 2015 PMID: 25741868, with internal and published modifications).

NM_006642.5(SDCCAG8):c.1828C>T (p.Leu610=)

Gene: SDCCAG8 (SHH signaling and ciliogenesis regulator SDCCAG8; plus strand). Cytogenetic location: 1q43.
Variant type: single nucleotide variant.
Coding change: c.1828C>T on transcript NM_006642.5 (MANE Select); coding-DNA position 1828, C replaced by T.
Protein change: p.Leu610=; no amino-acid change (leucine 610 retained).
Molecular consequence: synonymous variant.
Genome position (GRCh38, 1-based): chr1:243,418,051, C>T. VCF-style: chr1-243418051-C-T. GRCh37 (hg19) VCF-style: chr1-243581353-C-T.
Other names: c.925C>T, p.Leu309= (NM_001350246.2, NM_001350247.2, NM_001350251.2); c.1924C>T, p.Leu642= (NM_001350248.2); c.1534C>T, p.Leu512= (NM_001350249.2); c.1828C>T (NM_006642.3).
Identifiers: ClinVar variation 2046120 (VCV002046120.5), dbSNP rs763772496, ClinGen allele CA1483747.